The following is an entry in ClinVar:

NM_139321.3(ATRN):c.1277T>C (p.Ile426Thr)

Gene: ATRN (attractin; plus strand). Cytogenetic location: 20p13.
Variant type: single nucleotide variant.
Coding change: c.1277T>C on transcript NM_139321.3 (MANE Select); coding-DNA position 1277, T replaced by C.
Protein change: p.Ile426Thr; replaces isoleucine 426 with threonine.
Molecular consequence: missense variant.
Genome position (GRCh38, 1-based): chr20:3,560,735, T>C. VCF-style: chr20-3560735-T-C. GRCh37 (hg19) VCF-style: chr20-3541382-T-C.
Other names: c.1277T>C, p.Ile426Thr (NM_139322.4, NM_001323332.2); c.929T>C, p.Ile310Thr (NM_001207047.3); short protein forms I310T, I426T.
Identifiers: ClinVar variation 1167765 (VCV001167765.14), dbSNP rs17782078, ClinGen allele CA9744016.

ClinVar aggregate classification (germline): Benign. Review status: criteria provided, multiple submitters, no conflicts (2 of 4 stars). 4 submissions from 4 submitters: Benign (3). 1 of the submissions does not count toward it. Last evaluated 2026-02-01.

Conditions:
ATRN-related disorder. Also called: ATRN-related condition.

Allele frequency attached by ClinVar (database versions not stated): 1000 Genomes Project 0.01757; 1000 Genomes Project 30x 0.01858; TOPMed 0.03538; gnomAD 0.03765 and 0.03934; ESP Exome Variant Server 0.04067; ExAC 0.03910; gnomAD exomes 0.03928.
gnomAD v4.1: 76,895 of 1,613,938 alleles (4.8%); highest among the groups gnomAD compares: Non-Finnish European, 5.5%; 2,114 homozygotes.

Submissions (4):

Labcorp Genetics (formerly Invitae), Labcorp
Classification: Benign. Last evaluated: 2026-02-01. Review status: criteria provided, single submitter. Criteria: Invitae Variant Classification Sherloc (09022015). Collection method: clinical testing. Allele origin: germline.

GeneDx
Classification: Benign. Last evaluated: 2021-01-15. Review status: criteria provided, single submitter. Criteria: GeneDx Variant Classification Process June 2021. Collection method: clinical testing. Allele origin: germline. Affected: yes.

Breakthrough Genomics
Classification: Benign. Review status: criteria provided, single submitter. Criteria: ACMG Guidelines, 2015. Collection method: not provided. Allele origin: germline. Inheritance: Unknown mechanism. Affected: yes.

PreventionGenetics, part of Exact Sciences
Classification: Benign for ATRN-related condition. Last evaluated: 2024-07-29. Review status: no assertion criteria provided. Collection method: clinical testing. Allele origin: germline. Not counted in ClinVar's aggregate classification.
Comment: This variant is classified as benign based on ACMG/AMP sequence variant interpretation guidelines (Richards et al. 2015 PMID: 25741868, with internal and published modifications).